The following is an entry in ClinVar:

ClinVar aggregate classification (germline): Uncertain significance (1 of 4 stars; one submission).

Submission:

GeneDx
Classification: Uncertain significance. Last evaluated: 2018-05-11. Review status: criteria provided, single submitter. Criteria: GeneDx Variant Classification (06012015). Collection method: clinical testing. Allele origin: germline. Affected: yes.
Comment: The P70S variant in the TUBB2B gene has not been reported previously as a pathogenic variant, nor as a benign variant, to our knowledge. The P70S variant is not observed in large population cohorts (Lek et al., 2016). The P70S variant is a non-conservative amino acid substitution, which is likely to impact secondary protein structure as these residues differ in polarity, charge, size and/or other properties. In silico analyses, including protein predictors and evolutionary conservation, support a deleterious effect. Additionally, the majority of missense variants in the TUBB2B gene are considered pathogenic (Stenson et al., 2014). We interpret P70S as a variant of uncertain significance.

NM_178012.5(TUBB2B):c.208C>T (p.Pro70Ser)

Gene: TUBB2B (tubulin beta 2B class IIb; minus strand). Cytogenetic location: 6p25.2.
Variant type: single nucleotide variant.
Coding change: c.208C>T on transcript NM_178012.5 (MANE Select); coding-DNA position 208, C replaced by T.
Protein change: p.Pro70Ser; replaces proline 70 with serine.
Molecular consequence: missense variant.
Genome position (GRCh38, 1-based): chr6:3,226,228, G>A on the plus strand (C>T on the coding strand, the complement: TUBB2B is on the minus strand). VCF-style: chr6-3226228-G-A. GRCh37 (hg19) VCF-style: chr6-3226462-G-A.
Other names: short protein forms P70S.
Identifiers: ClinVar variation 546182 (VCV000546182.2), dbSNP rs1554126963, ClinGen allele CA362589696.